The following is an entry in ClinVar:

ClinVar aggregate classification (germline): Pathogenic/Likely pathogenic. Review status: criteria provided, multiple submitters, no conflicts (2 of 4 stars). 2 submissions from 2 submitters: Pathogenic (1); Likely pathogenic (1). Last evaluated 2024-08-16.

Conditions:
Familial cancer of breast. Also called: Hereditary breast cancer; hereditary breast carcinoma; BREAST CANCER, FAMILIAL. Identifiers: Orphanet 227535, MedGen C0346153, MONDO:0016419, OMIM 114480. Disease mechanism: loss of function.

Submissions (2):

Myriad Genetics, Inc.
Classification: Pathogenic for Familial cancer of breast. Last evaluated: 2024-08-16. Review status: criteria provided, single submitter. Criteria: Myriad Autosomal Dominant, Autosomal Recessive and X-Linked Classification Criteria (2023). Collection method: clinical testing. Allele origin: unknown.
Comment: This variant is considered pathogenic. This variant creates a frameshift predicted to result in premature protein truncation.

GeneDx
Classification: Likely pathogenic. Last evaluated: 2016-12-01. Review status: criteria provided, single submitter. Criteria: GeneDx Variant Classification (06012015). Collection method: clinical testing. Allele origin: germline. Affected: yes.
Comment: This duplication of four nucleotides in PALB2 is denoted c.117_120dupAAGA at the cDNA level and p.Ala41LysfsX3 (A41KfsX3) at the protein level. The normal sequence, with the bases that are duplicated in brackets, is CCCA[dupAAGA]GCTG. The duplication causes a frameshift which changes an Alanine to a Lysine at codon 41, and creates a premature stop codon at position 3 of the new reading frame. Although this variant has not, to our knowledge, been reported in the literature, it is predicted to cause loss of normal protein function through either protein truncation or nonsense-mediated mRNA decay. Based on the currently available information, we consider this duplication to be a likely pathogenic variant.

NM_024675.4(PALB2):c.117_120dup (p.Ala41fs)

Gene: PALB2 (partner and localizer of BRCA2; minus strand). Cytogenetic location: 16p12.2.
Variant type: Duplication.
Coding change: c.117_120dup on transcript NM_024675.4 (MANE Select); coding-DNA positions 117 to 120, 4 bases duplicated (AAGA; older notation c.117_120dupAAGA).
Protein change: p.Ala41fs; shifts the reading frame from alanine 41.
Molecular consequence: frameshift variant.
Genome position (GRCh38, 1-based): chr16:23,637,941-23,637,944, TCTT duplicated on the plus strand (AAGA on the coding strand, the reverse complement: PALB2 is on the minus strand); duplicating any 4 consecutive bases within chr16:23,637,941-23,637,945 gives the same sequence; the c. name uses the placement nearest the transcript's 3' end. VCF-style (leftmost placement, unchanged base first): chr16-23637940-C-CTCTT. GRCh37 (hg19) VCF-style: chr16-23649261-C-CTCTT.
Other names: c.117_120dupAAGA (NM_024675.3); short protein forms A41fs.
Identifiers: ClinVar variation 545755 (VCV000545755.3), dbSNP rs1555462076, ClinGen allele CA658824052.
Genomic context (GRCh38, chr16:23,637,940, plus strand): 5'-GCTGAGACAAACAATCTTGTTCTTCTACTGTTTTCTTAATAGAATGCTTAATCTTTTCAG[C>CTCTT]TCTTTGGGCACGCTAGAGGAGACAAAAACAGCCCCAGAAATACGTTTTCTTTAAAGTTTT-3'